The following is an entry in ClinVar:

NM_016151.4(TAOK2):c.2414A>T (p.Glu805Val)

Gene: TAOK2 (TAO kinase 2; plus strand). Cytogenetic location: 16p11.2.
Variant type: single nucleotide variant.
Coding change: c.2414A>T on transcript NM_016151.4 (MANE Select); coding-DNA position 2414, A replaced by T.
Protein change: p.Glu805Val; replaces glutamic acid 805 with valine.
Molecular consequence: missense variant. On other transcripts: intron variant (2).
Genome position (GRCh38, 1-based): chr16:29,986,686, A>T. VCF-style: chr16-29986686-A-T. GRCh37 (hg19) VCF-style: chr16-29998007-A-T.
Other names: c.2232+182A>T (NM_004783.4); c.2233-158A>T (NM_001252043.2); short protein forms E805V.
Identifiers: ClinVar variation 3681781 (VCV003681781.2).

ClinVar aggregate classification (germline): Uncertain significance (1 of 4 stars; one submission).

gnomAD v4.1: 4 of 1,613,586 alleles (0.00025%); highest among the groups gnomAD compares: Admixed American, 0.0067%; no homozygotes.

Submission:

Labcorp Genetics (formerly Invitae), Labcorp
Classification: Uncertain significance. Last evaluated: 2024-08-26. Review status: criteria provided, single submitter. Criteria: Invitae Variant Classification Sherloc (09022015). Collection method: clinical testing. Allele origin: germline.
Comment: This sequence change replaces glutamic acid, which is acidic and polar, with valine, which is neutral and non-polar, at codon 805 of the TAOK2 protein (p.Glu805Val). This variant is present in population databases (no rsID available, gnomAD 0.006%). This variant has not been reported in the literature in individuals affected with TAOK2-related conditions. An algorithm developed to predict the effect of missense changes on protein structure and function (PolyPhen-2) suggests that this variant is likely to be tolerated. Algorithms developed to predict the effect of sequence changes on RNA splicing suggest that this variant may create or strengthen a splice site. In summary, the available evidence is currently insufficient to determine the role of this variant in disease. Therefore, it has been classified as a Variant of Uncertain Significance.